The following is an entry in ClinVar:

ClinVar aggregate classification (germline): Pathogenic. Review status: reviewed by expert panel (3 of 4 stars). 2 submissions from 2 submitters: Pathogenic (1). 1 of the submissions does not count toward it. Last evaluated 2026-07-20.

Conditions:
Leber congenital amaurosis (LCA). Also called: Leber's amaurosis. Identifiers: Orphanet 65, MedGen C0339527, MeSH D057130, MONDO:0018998.
CEP290-related ciliopathy. Also called: CEP290 ciliopathy. Identifiers: MedGen CN305601, MONDO:0100451.

Submissions (2):

ClinGen Leber Congenital Amaurosis/early Onset Retinal Dystrophy Variant Curation Expert Panel, ClinGen
Classification: Pathogenic for CEP290-related ciliopathy. Last evaluated: 2026-07-20. Review status: reviewed by expert panel. Criteria: ClinGen LCAeoRD ACMG Specifications CEP290 V1.0.0. Collection method: curation. Allele origin: germline. Inheritance: Autosomal recessive inheritance.
Comment: NM_025114.4(CEP290):c.5324dup (p.Asn1775LysfsTer7) is a frameshift variant that introduces a premature stop codon into exon 39 of 54 and is predicted to lead to nonsense-mediated decay in a gene in which loss-of-function is an established mechanism of disease (PVS1). This variant is absent from gnomAD v4.1.1 (PM2_Supporting). This variant has been reported in at least 1 proband who was compound heterozygous with the NM_025114.4(CEP290):c.21G>T (p.Trp7Cys) variant confirmed in trans (PMID: 27422788), however, this evidence was not counted for PM3 in order to avoid circularity. The proband exhibits a phenotype including diagnosis of Leber congenital amaurosis (0.5 pts), congenital or infantile onset (0.5 pts), inability to fix or follow (0.5 pts), high hypermetropia, oculodigital sign (0.5 pts), and white mottling of the peripheral pigmentation (0.5 pts), with genotyping by targeted next-generation sequencing using a panel of 195 known retinal disease genes (2 pts), which together are specific for CEP290-related ciliopathy (4 total points, PMID: 27422788, PP4). In summary, this variant meets the criteria to be classified as Pathogenic for CEP290-related ciliopathy based on the ACMG/AMP criteria applied, as specified by the ClinGen LCA/eoRD VCEP: PVS1, PM2_Supporting, and PP4. (LCA/eoRD VCEP Specifications for CEP290 Version 1.0.0)

Natera, Inc.
Classification: Pathogenic for Leber congenital amaurosis. Last evaluated: 2024-02-20. Review status: criteria provided, single submitter. Criteria: Natera Variant Classification Schema (03/2026). Collection method: clinical testing. Allele origin: germline. Not counted in ClinVar's aggregate classification.
Comment: The c.5324dupA variant in CEP290 is a frameshift variant predicted to shift the reading frame beginning at codon 1775 and leads to a stop codon 7 codons downstream. This variant is expected to result in nonsense mediated decay, truncation, or a dysfunctional protein product. This variant is rare in the general population with a frequency below the threshold expected for the associated phenotype(s). This variant has been observed in one or more individuals affected with the associated recessive disease, as either homozygous or compound heterozygous with a second variant (PMID: 27422788). Given the available evidence, this variant is classified as Pathogenic.

Literature cited by the submitters: PubMed 27422788 (cited by Natera, Inc.).

NM_025114.4(CEP290):c.5324dup (p.Asn1775fs)

Gene: CEP290 (centrosomal protein 290; minus strand). Cytogenetic location: 12q21.32.
Variant type: Duplication.
Coding change: c.5324dup on transcript NM_025114.4 (MANE Select); coding-DNA position 5324, one base duplicated (A; older notation c.5324dupA).
Protein change: p.Asn1775fs; shifts the reading frame from asparagine 1775.
Molecular consequence: frameshift variant.
Genome position (GRCh38, 1-based): chr12:88,079,132, T duplicated on the plus strand (A on the coding strand, the reverse complement: CEP290 is on the minus strand); the first of 2 consecutive T bases (chr12:88,079,132-88,079,133); duplicating either gives the same sequence. VCF-style (leftmost placement, unchanged base first): chr12-88079131-A-AT. GRCh37 (hg19) VCF-style: chr12-88472908-A-AT.
Other names: NM_025114.4:c.5324dup; short protein forms N1775fs.
Identifiers: ClinVar variation 4816220 (VCV004816220.2).
Genomic context (GRCh38, chr12:88,079,131, plus strand): 5'-TTAACACGTGTTGATGTTCACCTTTAGCTCTCTAGTATGTCGATCAACGATTTGTTGAAC[A>AT]TTGAGATGGGCCTCTTTTTGAGAAGTTGCAGAAATAATACGTTCTTCAGCAGCTGCTGTC-3'